The following is an entry in ClinVar:

ClinVar aggregate classification (germline): Conflicting classifications of pathogenicity. Review status: criteria provided, conflicting classifications (1 of 4 stars). 3 submissions from 3 submitters: Uncertain significance (2); Likely benign (1). Last evaluated 2023-03-23.

Conditions:
Hereditary cancer-predisposing syndrome. Also called: Hereditary Cancer Syndrome; Neoplastic Syndromes, Hereditary; Tumor predisposition; Hereditary neoplastic syndrome. Identifiers: Orphanet 140162, MedGen C0027672, MeSH D009386, MONDO:0015356.

Submissions (3):

University of Washington Department of Laboratory Medicine, University of Washington
Classification: Likely benign for Hereditary cancer-predisposing syndrome. Last evaluated: 2023-03-23. Review status: criteria provided, single submitter. Criteria: Dines et al. (Genet Med. 2020). Collection method: curation. Allele origin: germline.
Comment: Missense variant in a coldspot region where missense variants are very unlikely to be pathogenic (PMID:31911673).

BRCA1 coldspot (exon 11 using historical exon numbering). Reclassification based on statistical prior probability

Color Diagnostics, LLC DBA Color Health
Classification: Uncertain significance for Hereditary cancer-predisposing syndrome. Last evaluated: 2019-06-16. Review status: criteria provided, single submitter. Criteria: ACMG Guidelines, 2015. Collection method: clinical testing. Allele origin: germline.

Ambry Genetics
Classification: Uncertain significance for Hereditary cancer-predisposing syndrome. Last evaluated: 2016-06-10. Review status: criteria provided, single submitter. Criteria: Ambry Variant Classification Scheme 2023. Collection method: clinical testing. Allele origin: germline.
Comment: The p.C953R variant (also known as c.2857T>C), located in coding exon 9 of the BRCA1 gene, results from a T to C substitution at nucleotide position 2857. The cysteine at codon 953 is replaced by arginine, an amino acid with highly dissimilar properties. This variant was not reported in population based cohorts in the following databases: Database of Single Nucleotide Polymorphisms (dbSNP), NHLBI Exome Sequencing Project (ESP), and 1000 Genomes Project. In the ESP, this variant was not observed in 6503 samples (13006 alleles) with coverage at this position. To date, this alteration has been detected with an allele frequency of approximately 0.0003% (greater than 300000 alleles tested) in our clinical cohort. This amino acid position is well conserved in available vertebrate species. In addition, the in silico prediction for this alteration is inconclusive. Since supporting evidence is limited at this time, the clinical significance of this alteration remains unclear.

NM_007294.4(BRCA1):c.2857T>C (p.Cys953Arg)

Gene: BRCA1 (BRCA1 DNA repair associated; minus strand). Cytogenetic location: 17q21.31.
Variant type: single nucleotide variant.
Coding change: c.2857T>C on transcript NM_007294.4 (MANE Select); coding-DNA position 2857, T replaced by C.
Protein change: p.Cys953Arg; replaces cysteine 953 with arginine.
Molecular consequence: missense variant. On other transcripts: intron variant (137).
Genome position (GRCh38, 1-based): chr17:43,092,674, A>G on the plus strand (T>C on the coding strand, the complement: BRCA1 is on the minus strand). VCF-style: chr17-43092674-A-G. GRCh37 (hg19) VCF-style: chr17-41244691-A-G.
Other names: c.2644T>C, p.Cys882Arg (NM_001407571.1, NM_001407853.1, NM_001407894.1 and 9 more transcripts); c.2857T>C, p.Cys953Arg (NM_001407581.1, NM_001407582.1, NM_001407583.1 and 30 more transcripts); c.2854T>C, p.Cys952Arg (NM_001407587.1, NM_001407590.1, NM_001407591.1 and 22 more transcripts); c.2848T>C, p.Cys950Arg (NM_001407646.1, NM_001407647.1); c.2734T>C, p.Cys912Arg (NM_001407648.1, NM_001407664.1, NM_001407665.1 and 19 more transcripts); c.2731T>C, p.Cys911Arg (NM_001407649.1, NM_001407670.1, NM_001407671.1 and 11 more transcripts); c.2779T>C, p.Cys927Arg (NM_001407653.1, NM_001407654.1, NM_001407655.1 and 4 more transcripts); c.2776T>C, p.Cys926Arg (NM_001407659.1, NM_001407660.1, NM_001407661.1 and 1 more transcripts); and 41 more; short protein forms C953R, C906R, C864R, C865R, C882R, C883R, C926R, C952R.
Identifiers: ClinVar variation 481447 (VCV000481447.10), dbSNP rs1555588840, ClinGen allele CA10596272.